The following is an entry in ClinVar:

NM_020911.2(PLXNA4):c.4370C>G (p.Pro1457Arg)

Gene: PLXNA4 (plexin A4; minus strand). Cytogenetic location: 7q32.3.
Variant type: single nucleotide variant.
Coding change: c.4370C>G on transcript NM_020911.2 (MANE Select); coding-DNA position 4370, C replaced by G.
Protein change: p.Pro1457Arg; replaces proline 1457 with arginine.
Molecular consequence: missense variant.
Genome position (GRCh38, 1-based): chr7:132,164,272, G>C on the plus strand (C>G on the coding strand, the complement: PLXNA4 is on the minus strand). VCF-style: chr7-132164272-G-C. GRCh37 (hg19) VCF-style: chr7-131849031-G-C.
Other names: c.4370C>G, p.Pro1457Arg (NM_001393897.1); short protein forms P1457R.
Identifiers: ClinVar variation 4995970 (VCV004995970.1).

ClinVar aggregate classification (germline): Uncertain significance (1 of 4 stars; one submission).

Conditions:
PLXNA4-related disorder. Also called: PLXNA4-related condition.

gnomAD v4.1: 1 of 1,614,024 alleles (0.000062%); highest among the groups gnomAD compares: African/African-American, 0.0013%; no homozygotes.

Submission:

PreventionGenetics, part of Exact Sciences
Classification: Uncertain significance for PLXNA4-related condition. Last evaluated: 2025-08-13. Review status: criteria provided, single submitter. Criteria: ACMG Guidelines, 2015. Collection method: clinical testing. Allele origin: germline.
Comment: The PLXNA4 c.4370C>G variant is predicted to result in the amino acid substitution p.Pro1457Arg. To our knowledge, this variant has not been reported in the literature or in a large population database (gnomAD), indicating this variant is rare. At this time, the clinical significance of this variant is uncertain due to the absence of conclusive functional and genetic evidence.